The following is an entry in ClinVar:

NM_024675.4(PALB2):c.429G>T (p.Leu143=)

Gene: PALB2 (partner and localizer of BRCA2; minus strand). Cytogenetic location: 16p12.2.
Variant type: single nucleotide variant.
Coding change: c.429G>T on transcript NM_024675.4 (MANE Select); coding-DNA position 429, G replaced by T.
Protein change: p.Leu143=; no amino-acid change (leucine 143 retained).
Molecular consequence: synonymous variant.
Genome position (GRCh38, 1-based): chr16:23,636,117, C>A on the plus strand (G>T on the coding strand, the complement: PALB2 is on the minus strand). VCF-style: chr16-23636117-C-A. GRCh37 (hg19) VCF-style: chr16-23647438-C-A.
Identifiers: ClinVar variation 389745 (VCV000389745.13), dbSNP rs1057523525, ClinGen allele CA16607002.

ClinVar aggregate classification (germline): Benign/Likely benign. Review status: criteria provided, multiple submitters, no conflicts (2 of 4 stars). 4 submissions from 4 submitters: Benign (1); Likely benign (3). Last evaluated 2025-09-04.

Conditions:
Hereditary cancer-predisposing syndrome. Also called: Hereditary Cancer Syndrome; Hereditary neoplastic syndrome; Neoplastic Syndromes, Hereditary; Tumor predisposition. Identifiers: Orphanet 140162, MedGen C0027672, MeSH D009386, MONDO:0015356.
Familial cancer of breast. Also called: Hereditary breast cancer; hereditary breast carcinoma; BREAST CANCER, FAMILIAL. Identifiers: Orphanet 227535, MedGen C0346153, MONDO:0016419, OMIM 114480. Disease mechanism: loss of function.

Allele frequency attached by ClinVar (database versions not stated): gnomAD exomes below 0.00001.
gnomAD v4.1: 2 of 1,613,594 alleles (0.00012%); highest among the groups gnomAD compares: South Asian, 0.0011%; no homozygotes.

Submissions (4):

Labcorp Genetics (formerly Invitae), Labcorp
Classification: Likely benign for Familial cancer of breast. Last evaluated: 2025-09-04. Review status: criteria provided, single submitter. Criteria: Invitae Variant Classification Sherloc (09022015). Collection method: clinical testing. Allele origin: germline.

Myriad Genetics, Inc.
Classification: Benign for Familial cancer of breast. Last evaluated: 2025-01-10. Review status: criteria provided, single submitter. Criteria: Myriad Autosomal Dominant, Autosomal Recessive and X-Linked Classification Criteria (2023). Collection method: clinical testing. Allele origin: unknown.
Comment: This variant is considered benign. This variant is a silent/synonymous amino acid change and it is not expected to impact splicing.

Ambry Genetics
Classification: Likely benign for Hereditary cancer-predisposing syndrome. Last evaluated: 2021-09-02. Review status: criteria provided, single submitter. Criteria: Ambry Variant Classification Scheme 2023. Collection method: clinical testing. Allele origin: germline.

GeneDx
Classification: Likely benign. Last evaluated: 2016-09-28. Review status: criteria provided, single submitter. Criteria: GeneDx Variant Classification (06012015). Collection method: clinical testing. Allele origin: germline. Affected: yes.
Comment: This variant is considered likely benign or benign based on one or more of the following criteria: it is a conservative change, it occurs at a poorly conserved position in the protein, it is predicted to be benign by multiple in silico algorithms, and/or has population frequency not consistent with disease.